The following is an entry in ClinVar:

ClinVar aggregate classification (germline): Pathogenic (1 of 4 stars; one submission).

Submission:

GeneDx
Classification: Pathogenic. Last evaluated: 2019-02-15. Review status: criteria provided, single submitter. Criteria: GeneDx Variant Classification (06012015). Collection method: clinical testing. Allele origin: germline. Affected: yes.
Comment: The c.10550dupG variant in the KMT2A gene has not been reported previously as a pathogenic variant nor as a benign variant, to our knowledge. The c.10550dupG variant causes a frameshift starting with codon Serine 3518, changes this amino acid to a Phenylalanine residue, and creates a premature Stop codon at position 21 of the new reading frame, denoted p.Ser3518PhefsX21. This variant is predicted to cause loss of normal protein function either through protein truncation or nonsense-mediated mRNA decay. The c.10550dupG variant is not observed in large population cohorts (Lek et al., 2016). We interpret c.10550dupG as a pathogenic variant.

NM_001197104.2(KMT2A):c.10550dup (p.Ser3518fs)

Gene: KMT2A (lysine methyltransferase 2A; plus strand). Cytogenetic location: 11q23.3.
Variant type: Duplication.
Coding change: c.10550dup on transcript NM_001197104.2 (MANE Select); coding-DNA position 10550, one base duplicated (G; older notation c.10550dupG).
Protein change: p.Ser3518fs; shifts the reading frame from serine 3518.
Molecular consequence: frameshift variant.
Genome position (GRCh38, 1-based): chr11:118,506,442, G duplicated; the last of 5 consecutive G bases (chr11:118,506,438-118,506,442); duplicating any one gives the same sequence. VCF-style (leftmost placement, unchanged base first): chr11-118506437-T-TG. GRCh37 (hg19) VCF-style: chr11-118377152-T-TG.
Other names: c.10541dup, p.Ser3515fs (NM_005933.4); short protein forms S3518fs, S3515fs.
Identifiers: ClinVar variation 817426 (VCV000817426.1), dbSNP rs1591286958, ClinGen allele CA915947766.